The following is an entry in ClinVar:

ClinVar aggregate classification (germline): Uncertain significance. Review status: criteria provided, multiple submitters, no conflicts (2 of 4 stars). 2 submissions from 2 submitters: Uncertain significance (2). Last evaluated 2025-03-22.

Conditions:
T-B+ severe combined immunodeficiency due to JAK3 deficiency. Also called: SCID, T CELL-NEGATIVE, B CELL-POSITIVE, NK CELL-NEGATIVE; SCID, autosomal recessive, T-negative/B-positive type. Identifiers: Orphanet 35078, MedGen C1833275, MONDO:0010938, OMIM 600802.
Inborn genetic diseases. Identifiers: MedGen C0950123, MeSH D030342.

Allele frequency attached by ClinVar (database versions not stated): gnomAD 0.00001; TOPMed 0.00002.
gnomAD v4.1: 14 of 1,614,156 alleles (0.00087%); highest among the groups gnomAD compares: Non-Finnish European, 0.001%; no homozygotes.

Submissions (2):

Ambry Genetics
Classification: Uncertain significance for Inborn genetic diseases. Last evaluated: 2025-03-22. Review status: criteria provided, single submitter. Criteria: Ambry Variant Classification Scheme 2023. Collection method: clinical testing. Allele origin: germline.

Labcorp Genetics (formerly Invitae), Labcorp
Classification: Uncertain significance for T-B+ severe combined immunodeficiency due to JAK3 deficiency. Last evaluated: 2022-06-20. Review status: criteria provided, single submitter. Criteria: Invitae Variant Classification Sherloc (09022015). Collection method: clinical testing. Allele origin: germline.
Comment: This sequence change replaces isoleucine, which is neutral and non-polar, with methionine, which is neutral and non-polar, at codon 825 of the JAK3 protein (p.Ile825Met). This variant is not present in population databases (gnomAD no frequency). This variant has not been reported in the literature in individuals affected with JAK3-related conditions. Advanced modeling of protein sequence and biophysical properties (such as structural, functional, and spatial information, amino acid conservation, physicochemical variation, residue mobility, and thermodynamic stability) performed at Invitae indicates that this missense variant is not expected to disrupt JAK3 protein function. In summary, the available evidence is currently insufficient to determine the role of this variant in disease. Therefore, it has been classified as a Variant of Uncertain Significance.

NM_000215.4(JAK3):c.2475C>G (p.Ile825Met)

Gene: JAK3 (Janus kinase 3; minus strand). Cytogenetic location: 19p13.11.
Variant type: single nucleotide variant.
Coding change: c.2475C>G on transcript NM_000215.4 (MANE Select); coding-DNA position 2475, C replaced by G.
Protein change: p.Ile825Met; replaces isoleucine 825 with methionine.
Molecular consequence: missense variant.
Genome position (GRCh38, 1-based): chr19:17,832,805, G>C on the plus strand (C>G on the coding strand, the complement: JAK3 is on the minus strand). VCF-style: chr19-17832805-G-C. GRCh37 (hg19) VCF-style: chr19-17943614-G-C.
Other names: c.2475C>G (NM_000215.3); short protein forms I825M.
Identifiers: ClinVar variation 1494673 (VCV001494673.4), dbSNP rs1459489474, ClinGen allele CA404766697.